The following is an entry in ClinVar:

NM_178857.6(RP1L1):c.3854C>T (p.Ala1285Val)

Gene: RP1L1 (RP1 like 1). Cytogenetic location: 8p23.1.
Variant type: single nucleotide variant.
Coding change: c.3854C>T on transcript NM_178857.6 (MANE Select); coding-DNA position 3854, C replaced by T.
Protein change: p.Ala1285Val; replaces alanine 1285 with valine.
Molecular consequence: missense variant.
Genome position (GRCh38, 1-based): chr8:10,610,244, G>A on the plus strand (C>T on the coding strand, the complement: RP1L1 is on the minus strand). VCF-style: chr8-10610244-G-A. GRCh37 (hg19) VCF-style: chr8-10467754-G-A.
Other names: c.3854C>T (NM_178857.5); short protein forms A1285V.
Identifiers: ClinVar variation 810253 (VCV000810253.45), dbSNP rs201382029, ClinGen allele CA4624359.

ClinVar aggregate classification (germline): Conflicting classifications of pathogenicity. Review status: criteria provided, conflicting classifications (1 of 4 stars). 5 submissions from 5 submitters: Uncertain significance (1); Likely benign (2). 2 of the submissions do not count toward it. Last evaluated 2026-08-28.

Conditions:
RP1L1-related disorder. Also called: RP1L1-related condition.

Allele frequency attached by ClinVar (database versions not stated): gnomAD exomes 0.00015; ExAC 0.00021; gnomAD 0.00044 and 0.00047; TOPMed 0.00055; ESP Exome Variant Server 0.00056.
gnomAD v4.1: 240 of 1,613,550 alleles (0.015%); highest among the groups gnomAD compares: African/African-American, 0.11%; no homozygotes.

Submissions (5):

PreventionGenetics, part of Exact Sciences
Classification: Uncertain significance for RP1L1-related condition. Last evaluated: 2026-08-28. Review status: criteria provided, single submitter. Criteria: ACMG Guidelines, 2015. Collection method: clinical testing. Allele origin: germline.
Comment: The RP1L1 c.3854C>T variant is predicted to result in the amino acid substitution p.Ala1285Val. To our knowledge, this variant has not been reported in the literature. This variant is reported in 0.083% of alleles in individuals of African descent in gnomAD. Although we suspect that this variant may be benign, at this time, the clinical significance of this variant is uncertain due to the absence of conclusive functional and genetic evidence.

CeGaT Center for Human Genetics Tuebingen
Classification: Likely benign. Last evaluated: 2026-01-01. Review status: criteria provided, single submitter. Criteria: CeGaT Center For Human Genetics Tuebingen Variant Classification Criteria Version 2. Collection method: clinical testing. Allele origin: germline. Affected: yes. Observed: 4 variant alleles.
Comment: RP1L1: BP4

Blueprint Genetics
Classification: Likely benign. Last evaluated: 2024-07-23. Review status: criteria provided, single submitter. Criteria: ACMG Guidelines, 2015. Collection method: clinical testing. Allele origin: germline.

Clinical Genetics DNA and cytogenetics Diagnostics Lab, Erasmus MC, Erasmus Medical Center
Classification: Likely benign. Review status: no assertion criteria provided. Collection method: clinical testing. Allele origin: germline. Affected: yes. Study: VKGL Data-share Consensus. Not counted in ClinVar's aggregate classification.

Clinical Genetics, Academic Medical Center
Classification: Likely benign. Review status: no assertion criteria provided. Collection method: clinical testing. Allele origin: germline. Affected: yes. Study: VKGL Data-share Consensus. Not counted in ClinVar's aggregate classification.